The following is an entry in ClinVar:

NM_021023.6(CFHR3):c.959G>A (p.Arg320Gln)

Gene: CFHR3 (complement factor H related 3; plus strand). Cytogenetic location: 1q31.3.
Variant type: single nucleotide variant.
Coding change: c.959G>A on transcript NM_021023.6 (MANE Select); coding-DNA position 959, G replaced by A.
Protein change: p.Arg320Gln; replaces arginine 320 with glutamine.
Molecular consequence: missense variant.
Genome position (GRCh38, 1-based): chr1:196,793,479, G>A. VCF-style: chr1-196793479-G-A. GRCh37 (hg19) VCF-style: chr1-196762609-G-A.
Other names: p.Arg320Gln; c.776G>A, p.Arg259Gln (NM_001166624.2); short protein forms R320Q, R259Q.
Identifiers: ClinVar variation 2397714 (VCV002397714.4), dbSNP rs779855453, ClinGen allele CA1306332.

ClinVar aggregate classification (germline): Uncertain significance. Review status: criteria provided, multiple submitters, no conflicts (2 of 4 stars). 3 submissions from 3 submitters: Uncertain significance (3). Last evaluated 2025-06-17.

Allele frequency attached by ClinVar (database versions not stated): gnomAD 0.00001; gnomAD exomes 0.00002; ExAC 0.00003.

Submissions (3):

Women's Health and Genetics/Laboratory Corporation of America, LabCorp
Classification: Uncertain significance. Last evaluated: 2025-06-17. Review status: criteria provided, single submitter. Criteria: LabCorp Variant Classification Summary - May 2015. Collection method: clinical testing. Allele origin: germline.
Comment: Variant summary: CFHR3 c.959G>A (p.Arg320Gln) results in a conservative amino acid change in the encoded protein sequence. Algorithms developed to predict the effect of missense changes on protein structure and function all suggest that this variant is likely to be tolerated. The variant allele was found at a frequency of 3.4e-05 in 238540 control chromosomes in the gnomAD database, including 2 homozygotes. The available data on variant occurrences in the general population are insufficient to allow any conclusion about variant significance. To our knowledge, no occurrence of c.959G>A in individuals affected with Genetic Atypical Hemolytic Uremic Syndrome and no experimental evidence demonstrating its impact on protein function have been reported. ClinVar contains an entry for this variant (Variation ID: 2397714). Based on the evidence outlined above, the variant was classified as uncertain significance.

Mayo Clinic Laboratories, Mayo Clinic
Classification: Uncertain significance. Last evaluated: 2024-05-06. Review status: criteria provided, single submitter. Criteria: ACMG Guidelines, 2015. Collection method: clinical testing. Allele origin: germline. Observed: 2 variant alleles.
Comment: BP4

Ambry Genetics
Classification: Uncertain significance. Last evaluated: 2022-10-04. Review status: criteria provided, single submitter. Criteria: Ambry Variant Classification Scheme 2023. Collection method: clinical testing. Allele origin: germline.